The following is an entry in ClinVar:

NM_000298.6(PKLR):c.1501C>T (p.Gln501Ter)

Gene: PKLR (pyruvate kinase L/R; minus strand). Cytogenetic location: 1q22.
Variant type: single nucleotide variant.
Coding change: c.1501C>T on transcript NM_000298.6 (MANE Select); coding-DNA position 1501, C replaced by T.
Protein change: p.Gln501Ter; replaces glutamine 501 with a stop codon.
Molecular consequence: nonsense.
Genome position (GRCh38, 1-based): chr1:155,291,873, G>A on the plus strand (C>T on the coding strand, the complement: PKLR is on the minus strand). VCF-style: chr1-155291873-G-A. GRCh37 (hg19) VCF-style: chr1-155261664-G-A.
Other names: p.Gln501*; c.1408C>T, p.Gln470Ter (NM_181871.4); short protein forms Q470*, Q501*.
Identifiers: ClinVar variation 3906454 (VCV003906454.3).
Genomic context (GRCh38, chr1:155,291,873, plus strand): 5'-GAGGTTCACGGTAAAGCAAGGGGAAGACTCCTCGGCATAAGTGGACCTGGCGGGCAGCCT[G>A]GGCAGAGCGGGTGACAGCAATGACTGCTGCCCGAGGTCGGTACCGAGACAGAAGCTGGGC-3'

ClinVar aggregate classification (germline): Pathogenic/Likely pathogenic. Review status: criteria provided, multiple submitters, no conflicts (2 of 4 stars). 3 submissions from 3 submitters: Pathogenic (2); Likely pathogenic (1). Last evaluated 2025-05-15.

Submissions (3):

Mayo Clinic Laboratories, Mayo Clinic
Classification: Pathogenic. Last evaluated: 2025-05-15. Review status: criteria provided, single submitter. Criteria: ACMG Guidelines, 2015. Collection method: clinical testing. Allele origin: germline. Observed: 1 variant allele.
Comment: PM2_supporting, PM3_supporting, PVS1

GeneDx
Classification: Likely pathogenic. Last evaluated: 2024-12-18. Review status: criteria provided, single submitter. Criteria: GeneDx Variant Classification Process June 2021. Collection method: clinical testing. Allele origin: germline. Affected: yes.
Comment: Nonsense variant predicted to result in protein truncation or nonsense mediated decay in a gene for which loss of function is a known mechanism of disease; Not observed at significant frequency in large population cohorts (gnomAD); Reported along with a second variant in the PKLR gene in a patient with pyruvate kinase deficiency in the published literature; however, segregation information was not provided (PMID: 7655861); This variant is associated with the following publications: (PMID: 25525159, 7655861)

Revvity Omics, Revvity
Classification: Pathogenic. Last evaluated: 2024-10-30. Review status: criteria provided, single submitter. Criteria: ACMG Guidelines, 2015. Collection method: clinical testing. Allele origin: germline.

Literature cited by the submitters: PubMed 7655861 (cited by Mayo Clinic Laboratories, Mayo Clinic).